The following is an entry in ClinVar:

NM_007294.4(BRCA1):c.1618del (p.Glu540fs)

Gene: BRCA1 (BRCA1 DNA repair associated; minus strand). Cytogenetic location: 17q21.31.
Variant type: Deletion.
Coding change: c.1618del on transcript NM_007294.4 (MANE Select); coding-DNA position 1618, one base deleted (G; older notation c.1618delG).
Protein change: p.Glu540fs; shifts the reading frame from glutamic acid 540.
Molecular consequence: frameshift variant. On other transcripts: intron variant (137).
Genome position (GRCh38, 1-based): chr17:43,093,913, C deleted on the plus strand (G on the coding strand, the reverse complement: BRCA1 is on the minus strand); the first of 2 consecutive C bases (chr17:43,093,913-43,093,914); deleting either gives the same sequence. VCF-style (leftmost placement, unchanged base first): chr17-43093912-TC-T. GRCh37 (hg19) VCF-style: chr17-41245929-TC-T.
Other names: c.1618delG (NM_007294.3); c.1405del, p.Glu469fs (NM_001407571.1, NM_001407853.1, NM_001407894.1 and 9 more transcripts); c.1618del, p.Glu540fs (NM_001407581.1, NM_001407582.1, NM_001407583.1 and 30 more transcripts); c.1615del, p.Glu539fs (NM_001407587.1, NM_001407590.1, NM_001407591.1 and 22 more transcripts); c.1609del, p.Glu537fs (NM_001407646.1, NM_001407647.1); c.1495del, p.Glu499fs (NM_001407648.1, NM_001407664.1, NM_001407665.1 and 19 more transcripts); c.1492del, p.Glu498fs (NM_001407649.1, NM_001407670.1, NM_001407671.1 and 11 more transcripts); c.1540del, p.Glu514fs (NM_001407653.1, NM_001407654.1, NM_001407655.1 and 4 more transcripts); and 41 more; short protein forms E493fs, E540fs, E244fs, E451fs, E452fs, E472fs, E498fs, E499fs.
Identifiers: ClinVar variation 441292 (VCV000441292.6), dbSNP rs1555591470, ClinGen allele CA658653701.

ClinVar aggregate classification (germline): Pathogenic. Review status: reviewed by expert panel (3 of 4 stars). 2 submissions from 2 submitters: Pathogenic (1). 1 of the submissions does not count toward it. Last evaluated 2017-12-15.

Conditions:
Hereditary cancer-predisposing syndrome. Also called: Neoplastic Syndromes, Hereditary; Hereditary neoplastic syndrome; Tumor predisposition; Hereditary Cancer Syndrome. Identifiers: Orphanet 140162, MedGen C0027672, MeSH D009386, MONDO:0015356.
Breast-ovarian cancer, familial, susceptibility to, 1 (BROVCA1). Also called: BRCA1 Hereditary Breast and Ovarian Cancer; OVARIAN CANCER, SUSCEPTIBILITY TO. Identifiers: Orphanet 145, MedGen C2676676, MONDO:0011450, OMIM 604370. Disease mechanism: loss of function.

Submissions (2):

Evidence-based Network for the Interpretation of Germline Mutant Alleles (ENIGMA)
Classification: Pathogenic for Breast-ovarian cancer, familial, susceptibility to, 1. Last evaluated: 2017-12-15. Review status: reviewed by expert panel. Criteria: ENIGMA BRCA1/2 Classification Criteria (2017-06-29). Collection method: curation. Allele origin: germline. Study: ENIGMA.
Comment: Variant allele predicted to encode a truncated non-functional protein.

Ambry Genetics
Classification: Pathogenic for Hereditary cancer-predisposing syndrome. Last evaluated: 2015-10-19. Review status: criteria provided, single submitter. Criteria: Ambry Variant Classification Scheme 2023. Collection method: clinical testing. Allele origin: germline. Not counted in ClinVar's aggregate classification.
Comment: The c.1618delG pathogenic mutation, located in coding exon 9 of the BRCA1 gene, results from a deletion of one nucleotide at nucleotide position 1618, causing a translational frameshift with a predicted alternate stop codon. Since frameshifts are typically deleterious in nature, this alteration is interpreted as a disease-causing mutation (ACMG Recommendations for Standards for Interpretation and Reporting of Sequence Variations. Revision 2007. Genet Med. 2008;10:294).